The following is an entry in ClinVar:

ClinVar aggregate classification (germline): Benign/Likely benign. Review status: criteria provided, multiple submitters, no conflicts (2 of 4 stars). 3 submissions from 3 submitters: Benign (1); Likely benign (2). Last evaluated 2025-06-15.

Conditions:
Hereditary cancer-predisposing syndrome. Also called: Tumor predisposition; Hereditary Cancer Syndrome; Neoplastic Syndromes, Hereditary; Hereditary neoplastic syndrome. Identifiers: Orphanet 140162, MedGen C0027672, MeSH D009386, MONDO:0015356.
Oligodontia-cancer predisposition syndrome. Also called: TOOTH AGENESIS-COLORECTAL CANCER SYNDROME. Identifiers: Orphanet 300576, MedGen C1837750, MONDO:0012075, OMIM 608615. Disease mechanism: loss of function.

Allele frequency attached by ClinVar (database versions not stated): TOPMed below 0.00001; gnomAD 0.00001; gnomAD exomes 0.00001.
gnomAD v4.1: 4 of 1,614,042 alleles (0.00025%); highest among the groups gnomAD compares: Admixed American, 0.0033%; no homozygotes.

Submissions (3):

Labcorp Genetics (formerly Invitae), Labcorp
Classification: Likely benign for Oligodontia-cancer predisposition syndrome. Last evaluated: 2025-06-15. Review status: criteria provided, single submitter. Criteria: Invitae Variant Classification Sherloc (09022015). Collection method: clinical testing. Allele origin: germline.

Myriad Genetics, Inc.
Classification: Benign for Oligodontia-cancer predisposition syndrome. Last evaluated: 2024-07-10. Review status: criteria provided, single submitter. Criteria: Myriad Autosomal Dominant, Autosomal Recessive and X-Linked Classification Criteria (2023). Collection method: clinical testing. Allele origin: unknown.
Comment: This variant is considered benign. This variant is a silent/synonymous amino acid change and it is not expected to impact splicing.

Ambry Genetics
Classification: Likely benign for Hereditary cancer-predisposing syndrome. Last evaluated: 2022-05-26. Review status: criteria provided, single submitter. Criteria: Ambry Variant Classification Scheme 2023. Collection method: clinical testing. Allele origin: germline.

NM_004655.4(AXIN2):c.2166G>A (p.Arg722=)

Gene: AXIN2 (axin 2; minus strand). Cytogenetic location: 17q24.1.
Variant type: single nucleotide variant.
Coding change: c.2166G>A on transcript NM_004655.4 (MANE Select); coding-DNA position 2166, G replaced by A.
Protein change: p.Arg722=; no amino-acid change (arginine 722 retained).
Molecular consequence: synonymous variant.
Genome position (GRCh38, 1-based): chr17:65,535,697, C>T on the plus strand (G>A on the coding strand, the complement: AXIN2 is on the minus strand). VCF-style: chr17-65535697-C-T. GRCh37 (hg19) VCF-style: chr17-63531815-C-T.
Other names: c.1971G>A, p.Arg657= (NM_001363813.1).
Identifiers: ClinVar variation 1608478 (VCV001608478.11), dbSNP rs2043900688, ClinGen allele CA501476124.
Genomic context (GRCh38, chr17:65,535,697, plus strand): 5'-CAGGCTTGGATTGGAGAAGGGTGTGGCTCCCGTCTGAACAGTGGCCGAATGATTCCTGTC[C>T]CTCTGCTGACTGGCCACACAGCACCTGAGGACACAGCCAGGGCGAGGGATTTAGAGGTAC-3'
Protein context (NP_004646.3, residues 712-732): KQRCCVASQQ[Arg722=]DRNHSATVQT